The following is an entry in ClinVar:

NM_004006.3(DMD):c.8998C>T (p.Arg3000Cys)

Gene: DMD (dystrophin; minus strand). Cytogenetic location: Xp21.2.
Variant type: single nucleotide variant.
Coding change: c.8998C>T on transcript NM_004006.3 (MANE Select); coding-DNA position 8998, C replaced by T.
Protein change: p.Arg3000Cys; replaces arginine 3000 with cysteine.
Molecular consequence: missense variant.
Genome position (GRCh38, 1-based): chrX:31,444,567, G>A on the plus strand (C>T on the coding strand, the complement: DMD is on the minus strand). VCF-style: chrX-31444567-G-A. GRCh37 (hg19) VCF-style: chrX-31462684-G-A.
Other names: c.8974C>T, p.Arg2992Cys (NM_000109.4); c.8986C>T, p.Arg2996Cys (NM_004009.3); c.8629C>T, p.Arg2877Cys (NM_004010.3); c.4975C>T, p.Arg1659Cys (NM_004011.4); c.4966C>T, p.Arg1656Cys (NM_004012.4); c.1618C>T, p.Arg540Cys (NM_004013.3, NM_004020.4, NM_004021.3 and 2 more transcripts); c.811C>T, p.Arg271Cys (NM_004014.3); short protein forms R271C, R2992C, R3000C, R2877C, R2996C, R540C, R1659C, R1656C.
Identifiers: ClinVar variation 1765370 (VCV001765370.8), dbSNP rs2149075615, ClinGen allele CA412655209.

ClinVar aggregate classification (germline): Conflicting classifications of pathogenicity. Review status: criteria provided, conflicting classifications (1 of 4 stars). 2 submissions from 2 submitters: Uncertain significance (1); Likely benign (1). Last evaluated 2025-01-27.

Conditions:
Duchenne muscular dystrophy (DMD). Also called: MUSCULAR DYSTROPHY, PSEUDOHYPERTROPHIC PROGRESSIVE, DUCHENNE TYPE; Duchenne Muscular Dystrophy (DMD). Identifiers: Orphanet 98896, MedGen C0013264, MONDO:0010679, OMIM 310200.
Cardiovascular phenotype. Identifiers: MedGen CN230736.

Allele frequency attached by ClinVar (database versions not stated): gnomAD exomes below 0.00001.
gnomAD v4.1: 1 of 1,211,691 alleles (0.000083%); highest among the groups gnomAD compares: Non-Finnish European, 0.00011%; no homozygotes.

Submissions (2):

Labcorp Genetics (formerly Invitae), Labcorp
Classification: Uncertain significance for Duchenne muscular dystrophy. Last evaluated: 2025-01-27. Review status: criteria provided, single submitter. Criteria: Invitae Variant Classification Sherloc (09022015). Collection method: clinical testing. Allele origin: germline.
Comment: This sequence change replaces arginine, which is basic and polar, with cysteine, which is neutral and slightly polar, at codon 3000 of the DMD protein (p.Arg3000Cys). This variant is not present in population databases (gnomAD no frequency). This variant has not been reported in the literature in individuals affected with DMD-related conditions. ClinVar contains an entry for this variant (Variation ID: 1765370). Invitae Evidence Modeling of protein sequence and biophysical properties (such as structural, functional, and spatial information, amino acid conservation, physicochemical variation, residue mobility, and thermodynamic stability) indicates that this missense variant is not expected to disrupt DMD protein function with a negative predictive value of 95%. In summary, the available evidence is currently insufficient to determine the role of this variant in disease. Therefore, it has been classified as a Variant of Uncertain Significance.

Ambry Genetics
Classification: Likely benign for Cardiovascular phenotype. Last evaluated: 2024-12-31. Review status: criteria provided, single submitter. Criteria: Ambry Variant Classification Scheme 2023. Collection method: clinical testing. Allele origin: germline.